The following is an entry in ClinVar:

ClinVar aggregate classification (germline): Uncertain significance. Review status: criteria provided, multiple submitters, no conflicts (2 of 4 stars). 2 submissions from 2 submitters: Uncertain significance (2). Last evaluated 2024-10-01.

Allele frequency attached by ClinVar (database versions not stated): gnomAD 0.00013; ExAC 0.00018; 1000 Genomes Project 30x 0.00047; 1000 Genomes Project 0.00060.
gnomAD v4.1: 218 of 1,614,072 alleles (0.014%); highest among the groups gnomAD compares: East Asian, 0.22%; no homozygotes.

Submissions (3):

Blueprint Genetics
Classification: Uncertain significance. Last evaluated: 2024-10-01. Review status: criteria provided, single submitter. Criteria: ACMG Guidelines, 2015. Collection method: clinical testing. Allele origin: germline.

Labcorp Genetics (formerly Invitae), Labcorp
Classification: Uncertain significance. Last evaluated: 2022-04-07. Review status: criteria provided, single submitter. Criteria: Invitae Variant Classification Sherloc (09022015). Collection method: clinical testing. Allele origin: germline.
Comment: This sequence change replaces valine, which is neutral and non-polar, with phenylalanine, which is neutral and non-polar, at codon 249 of the RNF216 protein (p.Val249Phe). This variant is present in population databases (rs200838092, gnomAD 0.1%). This variant has not been reported in the literature in individuals affected with RNF216-related conditions. Algorithms developed to predict the effect of missense changes on protein structure and function are either unavailable or do not agree on the potential impact of this missense change (SIFT: "Deleterious"; PolyPhen-2: "Possibly Damaging"; Align-GVGD: "Class C0"). In summary, the available evidence is currently insufficient to determine the role of this variant in disease. Therefore, it has been classified as a Variant of Uncertain Significance.

Dr. Peter K. Rogan Lab, Western University
No classification provided (evidence only). Condition: Malignant tumor of esophagus. Review status: no classification provided. Collection method: in vitro. Allele origin: not applicable. Functional consequence: skipped exon, retained intron. Not counted in ClinVar's aggregate classification.

NM_207111.4(RNF216):c.745G>T (p.Val249Phe)

Gene: RNF216 (ring finger protein 216; minus strand). Cytogenetic location: 7p22.1.
Variant type: single nucleotide variant.
Coding change: c.745G>T on transcript NM_207111.4 (MANE Select); coding-DNA position 745, G replaced by T.
Protein change: p.Val249Phe; replaces valine 249 with phenylalanine.
Molecular consequence: missense variant.
Genome position (GRCh38, 1-based): chr7:5,741,272, C>A on the plus strand (G>T on the coding strand, the complement: RNF216 is on the minus strand). VCF-style: chr7-5741272-C-A. GRCh37 (hg19) VCF-style: chr7-5780903-C-A.
Other names: c.574G>T, p.Val192Phe (NM_001377156.1, NM_207116.3); short protein forms V192F, V249F.
Identifiers: ClinVar variation 1982602 (VCV001982602.3), dbSNP rs200838092, ClinGen allele CA4148465.